The following is an entry in ClinVar:

NM_001378969.1(KCND3):c.1736A>C (p.Gln579Pro)

Gene: KCND3 (potassium voltage-gated channel subfamily D member 3; minus strand). Cytogenetic location: 1p13.2.
Variant type: single nucleotide variant.
Coding change: c.1736A>C on transcript NM_001378969.1 (MANE Select); coding-DNA position 1736, A replaced by C.
Protein change: p.Gln579Pro; replaces glutamine 579 with proline.
Molecular consequence: missense variant.
Genome position (GRCh38, 1-based): chr1:111,777,056, T>G on the plus strand (A>C on the coding strand, the complement: KCND3 is on the minus strand). VCF-style: chr1-111777056-T-G. GRCh37 (hg19) VCF-style: chr1-112319678-T-G.
Other names: c.1679A>C, p.Gln560Pro (NM_001378970.1, NM_172198.3); c.1736A>C, p.Gln579Pro (NM_004980.5); short protein forms Q579P, Q560P.
Identifiers: ClinVar variation 1779072 (VCV001779072.2), dbSNP rs1280290230, ClinGen allele CA341656463.

ClinVar aggregate classification (germline): Uncertain significance (1 of 4 stars; one submission).

Conditions:
Cardiovascular phenotype. Identifiers: MedGen CN230736.

Allele frequency attached by ClinVar (database versions not stated): gnomAD exomes below 0.00001; TOPMed 0.00001.
gnomAD v4.1: 1 of 1,613,834 alleles (0.000062%); highest among the groups gnomAD compares: Admixed American, 0.0017%; no homozygotes.

Submission:

Ambry Genetics
Classification: Uncertain significance for Cardiovascular phenotype. Last evaluated: 2023-11-27. Review status: criteria provided, single submitter. Criteria: Ambry Variant Classification Scheme 2023. Collection method: clinical testing. Allele origin: germline.
Comment: The p.Q579P variant (also known as c.1736A>C), located in coding exon 6 of the KCND3 gene, results from an A to C substitution at nucleotide position 1736. The glutamine at codon 579 is replaced by proline, an amino acid with similar properties. This amino acid position is highly conserved in available vertebrate species. In addition, this alteration is predicted to be deleterious by in silico analysis. Since supporting evidence is limited at this time, the clinical significance of this alteration remains unclear.